The following is an entry in ClinVar:

ClinVar aggregate classification (germline): Pathogenic (1 of 4 stars; one submission).

Submission:

GeneDx
Classification: Pathogenic. Last evaluated: 2022-04-06. Review status: criteria provided, single submitter. Criteria: GeneDx Variant Classification Process June 2021. Collection method: clinical testing. Allele origin: germline. Affected: yes.
Comment: Frameshift variant predicted to result in protein truncation [or nonsense mediated decay] in a gene for which loss of function is a known mechanism of disease; Not observed at significant frequency in large population cohorts (gnomAD); This variant is associated with the following publications: (PMID: 27358180, 27568816)

NM_001008537.3(NEXMIF):c.3053_3066del (p.Gly1018fs)

Gene: NEXMIF (neurite extension and migration factor; minus strand). Cytogenetic location: Xq13.3.
Variant type: Deletion.
Coding change: c.3053_3066del on transcript NM_001008537.3 (MANE Select); coding-DNA positions 3053 to 3066, 14 bases deleted (GCGATGATGATATC).
Protein change: p.Gly1018fs; shifts the reading frame from glycine 1018.
Molecular consequence: frameshift variant.
Genome position (GRCh38, 1-based): chrX:74,741,491-74,741,504, GATATCATCATCGC deleted on the plus strand (GCGATGATGATATC on the coding strand, the reverse complement: NEXMIF is on the minus strand). VCF-style (leftmost placement, unchanged base first): chrX-74741490-TGATATCATCATCGC-T. GRCh37 (hg19) VCF-style: chrX-73961325-TGATATCATCATCGC-T.
Other names: c.3053_3066delGCGATGATGATATC (NM_001008537.1); short protein forms G1018fs.
Identifiers: ClinVar variation 242320 (VCV000242320.4), dbSNP rs878854419, ClinGen allele CA10583974.